The following is an entry in ClinVar:

ClinVar aggregate classification (germline): Uncertain significance (1 of 4 stars; one submission).

Allele frequency attached by ClinVar (database versions not stated): ExAC 0.00001; gnomAD exomes 0.00001; TOPMed 0.00001; gnomAD 0.00002.
gnomAD v4.1: 7 of 1,614,000 alleles (0.00043%); highest among the groups gnomAD compares: African/African-American, 0.0013%; no homozygotes.

Submission:

Labcorp Genetics (formerly Invitae), Labcorp
Classification: Uncertain significance. Last evaluated: 2024-07-17. Review status: criteria provided, single submitter. Criteria: Invitae Variant Classification Sherloc (09022015). Collection method: clinical testing. Allele origin: germline.
Comment: This sequence change replaces isoleucine, which is neutral and non-polar, with valine, which is neutral and non-polar, at codon 323 of the SGPL1 protein (p.Ile323Val). This variant is present in population databases (rs749229998, gnomAD 0.002%). This variant has not been reported in the literature in individuals affected with SGPL1-related conditions. ClinVar contains an entry for this variant (Variation ID: 1925653). Advanced modeling of protein sequence and biophysical properties (such as structural, functional, and spatial information, amino acid conservation, physicochemical variation, residue mobility, and thermodynamic stability) performed at Invitae indicates that this missense variant is not expected to disrupt SGPL1 protein function with a negative predictive value of 80%. In summary, the available evidence is currently insufficient to determine the role of this variant in disease. Therefore, it has been classified as a Variant of Uncertain Significance.

NM_003901.4(SGPL1):c.967A>G (p.Ile323Val)

Gene: SGPL1 (sphingosine-1-phosphate lyase 1; plus strand). Cytogenetic location: 10q22.1.
Variant type: single nucleotide variant.
Coding change: c.967A>G on transcript NM_003901.4 (MANE Select); coding-DNA position 967, A replaced by G.
Protein change: p.Ile323Val; replaces isoleucine 323 with valine.
Molecular consequence: missense variant.
Genome position (GRCh38, 1-based): chr10:70,871,894, A>G. VCF-style: chr10-70871894-A-G. GRCh37 (hg19) VCF-style: chr10-72631651-A-G.
Other names: short protein forms I323V.
Identifiers: ClinVar variation 1925653 (VCV001925653.5), dbSNP rs749229998, ClinGen allele CA5541344.
Genomic context (GRCh38, chr10:70,871,894, plus strand): 5'-AAGCTGGCTGTCAAATACAAAATACCCCTTCATGTCGACGCTTGTCTGGGAGGCTTCCTC[A>G]TCGTCTTTATGGAGAAAGCAGGATACCCACTGGAGCACCCATTTGATTTCCGGGTGAAAG-3'
Protein context (NP_003892.2, residues 313-333): HVDACLGGFL[Ile323Val]VFMEKAGYPL